The following is an entry in ClinVar:

NM_001267550.2(TTN):c.9988+2T>C

Gene: TTN (titin; minus strand). Cytogenetic location: 2q31.2.
Variant type: single nucleotide variant.
Coding change: c.9988+2T>C on transcript NM_001267550.2 (MANE Select); the canonical splice donor site of the intron after coding-DNA position 9988, T replaced by C.
Molecular consequence: splice donor variant.
Genome position (GRCh38, 1-based): chr2:178,764,525, A>G on the plus strand (T>C on the coding strand, the complement: TTN is on the minus strand). VCF-style: chr2-178764525-A-G. GRCh37 (hg19) VCF-style: chr2-179629252-A-G.
Other names: c.9850+2T>C (NM_003319.4, NM_133437.4, NM_133432.3); c.9988+2T>C (NM_133378.4, NM_001256850.1, NM_133379.5).
Identifiers: ClinVar variation 467713 (VCV000467713.9), dbSNP rs1298389127, ClinGen allele CA349673957.

ClinVar aggregate classification (germline): Likely pathogenic (1 of 4 stars; one submission).

Conditions:
Autosomal recessive limb-girdle muscular dystrophy type 2J (LGMDR10). Also called: Limb-girdle muscular dystrophy, type 2J; MUSCULAR DYSTROPHY, LIMB-GIRDLE, AUTOSOMAL RECESSIVE 10. Identifiers: Orphanet 140922, MedGen C1837342, MONDO:0012127, OMIM 608807.
Dilated cardiomyopathy 1G (CMD1G). Identifiers: Orphanet 154, MedGen C1858763, MONDO:0011400, OMIM 604145.

Submission:

Labcorp Genetics (formerly Invitae), Labcorp
Classification: Likely pathogenic for Dilated cardiomyopathy 1G; Autosomal recessive limb-girdle muscular dystrophy type 2J. Last evaluated: 2024-01-02. Review status: criteria provided, single submitter. Criteria: Invitae Variant Classification Sherloc (09022015). Collection method: clinical testing. Allele origin: germline.
Comment: This sequence change affects a donor splice site in intron 42 of the TTN gene. It is expected to disrupt RNA splicing and likely results in a truncated or disrupted TTN protein. This variant is not present in population databases (gnomAD no frequency). This variant has not been reported in the literature in individuals affected with TTN-related conditions. ClinVar contains an entry for this variant (Variation ID: 467713). Algorithms developed to predict the effect of sequence changes on RNA splicing suggest that this variant may disrupt the consensus splice site. This variant is located in the I band of TTN (PMID: 25589632). Truncating variants in this region have been reported in individuals affected with autosomal recessive centronuclear myopathy (PMID: 23975875). Truncating variants in this region have also been identified in individuals affected with autosomal dominant dilated cardiomyopathy and/or cardio-related conditions (PMID: 27869827, 32964742). In summary, the currently available evidence indicates that the variant is pathogenic, but additional data are needed to prove that conclusively. Therefore, this variant has been classified as Likely Pathogenic.

Literature cited by the submitters: PubMed 25589632; PubMed 23975875; PubMed 27869827; PubMed 32964742.